The following is an entry in ClinVar:

ClinVar aggregate classification (germline): Uncertain significance (1 of 4 stars; one submission).

Conditions:
Familial thoracic aortic aneurysm and aortic dissection (TAAD). Also called: Thoracic aortic aneurysms and dissections. Identifiers: Orphanet 91387, MedGen C4707243, MONDO:0019625.

gnomAD v4.1: 2 of 1,613,532 alleles (0.00012%); highest among the groups gnomAD compares: Admixed American, 0.0033%; no homozygotes.

Submission:

Ambry Genetics
Classification: Uncertain significance for Familial thoracic aortic aneurysm and aortic dissection. Last evaluated: 2026-01-10. Review status: criteria provided, single submitter. Criteria: Ambry Variant Classification Scheme 2023. Collection method: clinical testing. Allele origin: germline.
Comment: The p.M626V variant (also known as c.1876A>G), located in coding exon 14 of the FBN2 gene, results from an A to G substitution at nucleotide position 1876. The methionine at codon 626 is replaced by valine, an amino acid with highly similar properties. This amino acid position is conserved. In addition, this alteration is predicted to be deleterious by in silico analysis. Based on the available evidence, the clinical significance of this variant remains unclear.

NM_001999.4(FBN2):c.1876A>G (p.Met626Val)

Gene: FBN2 (fibrillin 2; minus strand). Cytogenetic location: 5q23.3.
Variant type: single nucleotide variant.
Coding change: c.1876A>G on transcript NM_001999.4 (MANE Select); coding-DNA position 1876, A replaced by G.
Protein change: p.Met626Val; replaces methionine 626 with valine.
Molecular consequence: missense variant.
Genome position (GRCh38, 1-based): chr5:128,376,827, T>C on the plus strand (A>G on the coding strand, the complement: FBN2 is on the minus strand). VCF-style: chr5-128376827-T-C. GRCh37 (hg19) VCF-style: chr5-127712520-T-C.
Other names: short protein forms M626V.
Identifiers: ClinVar variation 4841634 (VCV004841634.1).